The following is an entry in ClinVar:

ClinVar aggregate classification (germline): Uncertain significance (1 of 4 stars; one submission).

Submission:

GeneDx
Classification: Uncertain significance. Last evaluated: 2025-01-31. Review status: criteria provided, single submitter. Criteria: GeneDx Variant Classification Process June 2021. Collection method: clinical testing. Allele origin: germline. Affected: yes.
Comment: Not observed at significant frequency in large population cohorts (gnomAD); In silico analysis supports that this missense variant has a deleterious effect on protein structure/function; Has not been previously published as pathogenic or benign to our knowledge

NM_002055.5(GFAP):c.974A>C (p.Gln325Pro)

Gene: GFAP (glial fibrillary acidic protein; minus strand). Cytogenetic location: 17q21.31.
Variant type: single nucleotide variant.
Coding change: c.974A>C on transcript NM_002055.5 (MANE Select); coding-DNA position 974, A replaced by C.
Protein change: p.Gln325Pro; replaces glutamine 325 with proline.
Molecular consequence: missense variant.
Genome position (GRCh38, 1-based): chr17:44,911,389, T>G on the plus strand (A>C on the coding strand, the complement: GFAP is on the minus strand). VCF-style: chr17-44911389-T-G. GRCh37 (hg19) VCF-style: chr17-42988757-T-G.
Other names: c.974A>C, p.Gln325Pro (NM_001131019.3, NM_001242376.3, NM_001363846.2); short protein forms Q325P.
Identifiers: ClinVar variation 4072776 (VCV004072776.1).
Genomic context (GRCh38, chr17:44,911,389, plus strand): 5'-TGGCGGGCCATCTCGTCCTTGAGGCTCTGCCCCTCTTCCTCCAGCCGCGCCAGCGCCTCC[T>G]GATAACTGGCCGCCTCCCGCACGTGCCGCTCCTCCTGCTCGCGCATCTGCCTCTCCAGGG-3'
Protein context (NP_002046.1, residues 315-335): ERHVREAASY[Gln325Pro]EALARLEEEG